The following is an entry in ClinVar:

NM_001303256.3(MORC2):c.2132C>G (p.Ser711Cys)

Gene: MORC2 (MORC family CW-type zinc finger 2; minus strand). Cytogenetic location: 22q12.2.
Variant type: single nucleotide variant.
Coding change: c.2132C>G on transcript NM_001303256.3 (MANE Select); coding-DNA position 2132, C replaced by G.
Protein change: p.Ser711Cys; replaces serine 711 with cysteine.
Molecular consequence: missense variant.
Genome position (GRCh38, 1-based): chr22:30,934,842, G>C on the plus strand (C>G on the coding strand, the complement: MORC2 is on the minus strand). VCF-style: chr22-30934842-G-C. GRCh37 (hg19) VCF-style: chr22-31330829-G-C.
Other names: c.2132C>G, p.Ser711Cys (NM_001303257.2); c.1946C>G, p.Ser649Cys (NM_014941.3); short protein forms S649C, S711C.
Identifiers: ClinVar variation 4886206 (VCV004886206.2).

ClinVar aggregate classification (germline): Uncertain significance (1 of 4 stars; one submission).

gnomAD v4.1: 1 of 1,614,204 alleles (0.000062%); highest among the groups gnomAD compares: South Asian, 0.0011%; no homozygotes.

Submission:

Dasa
Classification: Uncertain significance. Last evaluated: 2026-04-27. Review status: criteria provided, single submitter. Criteria: DASA Assertion Criteria. Collection method: clinical testing. Allele origin: germline.
Comment: NM_001303256.3(MORC2):c.2132C>G (p.Ser711Cys) is a missense variant that results in the substitution of serine with cysteine. This variant is rare in population databases. Computational prediction algorithms are consistent with a benign effect. The currently available literature and clinical evidence are not sufficient to establish a definitive association between this variant and the reported condition. Therefore, this variant is classified as a variant of uncertain significance.